The following is an entry in ClinVar:

ClinVar aggregate classification (germline): Conflicting classifications of pathogenicity. Review status: criteria provided, conflicting classifications (1 of 4 stars). 2 submissions from 2 submitters: Uncertain significance (1); Likely benign (1). Last evaluated 2024-03-06.

Conditions:
Hereditary nonpolyposis colorectal neoplasms. Identifiers: MedGen C0009405, MeSH D003123.
Hereditary cancer-predisposing syndrome. Also called: Tumor predisposition; Hereditary neoplastic syndrome; Neoplastic Syndromes, Hereditary; Hereditary Cancer Syndrome. Identifiers: Orphanet 140162, MedGen C0027672, MeSH D009386, MONDO:0015356.

Allele frequency attached by ClinVar (database versions not stated): gnomAD 0.00001; TOPMed 0.00001.
gnomAD v4.1: 1 of 1,613,986 alleles (0.000062%); highest among the groups gnomAD compares: East Asian, 0.0022%; no homozygotes.

Submissions (2):

Labcorp Genetics (formerly Invitae), Labcorp
Classification: Uncertain significance for Hereditary nonpolyposis colorectal neoplasms. Last evaluated: 2024-03-06. Review status: criteria provided, single submitter. Criteria: Invitae Variant Classification Sherloc (09022015). Collection method: clinical testing. Allele origin: germline.
Comment: This sequence change replaces proline, which is neutral and non-polar, with serine, which is neutral and polar, at codon 434 of the PMS2 protein (p.Pro434Ser). This variant is not present in population databases (gnomAD no frequency). This variant has not been reported in the literature in individuals affected with PMS2-related conditions. ClinVar contains an entry for this variant (Variation ID: 818849). Advanced modeling of protein sequence and biophysical properties (such as structural, functional, and spatial information, amino acid conservation, physicochemical variation, residue mobility, and thermodynamic stability) performed at Invitae indicates that this missense variant is not expected to disrupt PMS2 protein function with a negative predictive value of 80%. In summary, the available evidence is currently insufficient to determine the role of this variant in disease. Therefore, it has been classified as a Variant of Uncertain Significance.

Ambry Genetics
Classification: Likely benign for Hereditary cancer-predisposing syndrome. Last evaluated: 2018-06-21. Review status: criteria provided, single submitter. Criteria: Ambry Variant Classification Scheme 2023. Collection method: clinical testing. Allele origin: germline.

NM_000535.7(PMS2):c.1300C>T (p.Pro434Ser)

Gene: PMS2 (PMS1 homolog 2, mismatch repair system component; minus strand). Cytogenetic location: 7p22.1.
Variant type: single nucleotide variant.
Coding change: c.1300C>T on transcript NM_000535.7 (MANE Select); coding-DNA position 1300, C replaced by T.
Protein change: p.Pro434Ser; replaces proline 434 with serine.
Molecular consequence: missense variant. On other transcripts: non-coding transcript variant (1).
Genome position (GRCh38, 1-based): chr7:5,987,465, G>A on the plus strand (C>T on the coding strand, the complement: PMS2 is on the minus strand). VCF-style: chr7-5987465-G-A. GRCh37 (hg19) VCF-style: chr7-6027096-G-A.
Other names: c.895C>T, p.Pro299Ser (NM_001322003.2, NM_001322004.2, NM_001322005.2 and 1 more transcripts); c.1144C>T, p.Pro382Ser (NM_001322006.2); c.982C>T, p.Pro328Ser (NM_001322007.2, NM_001322008.2); c.739C>T, p.Pro247Ser (NM_001322010.2); c.367C>T, p.Pro123Ser (NM_001322011.2, NM_001322012.2); c.727C>T, p.Pro243Ser (NM_001322013.2); c.1300C>T, p.Pro434Ser (NM_001322014.2); c.991C>T, p.Pro331Ser (NM_001322015.2); short protein forms P123S, P243S, P247S, P299S, P328S, P382S, P434S, P331S.
Identifiers: ClinVar variation 818849 (VCV000818849.7), dbSNP rs1583321885, ClinGen allele CA366742382.